The following is an entry in ClinVar:

ClinVar aggregate classification (germline): Uncertain significance (1 of 4 stars; one submission).

Conditions:
Werner syndrome (WRN). Identifiers: Orphanet 902, MedGen C0043119, MONDO:0010196, OMIM 277700.

Submission:

Labcorp Genetics (formerly Invitae), Labcorp
Classification: Uncertain significance for Werner syndrome. Last evaluated: 2025-08-18. Review status: criteria provided, single submitter. Criteria: Invitae Variant Classification Sherloc (09022015). Collection method: clinical testing. Allele origin: germline.
Comment: This sequence change replaces aspartic acid, which is acidic and polar, with valine, which is neutral and non-polar, at codon 526 of the WRN protein (p.Asp526Val). This variant is not present in population databases (gnomAD no frequency). This variant has not been reported in the literature in individuals affected with WRN-related conditions. An algorithm developed to predict the effect of missense changes on protein structure and function (PolyPhen-2) suggests that this variant is likely to be disruptive. In summary, the available evidence is currently insufficient to determine the role of this variant in disease. Therefore, it has been classified as a Variant of Uncertain Significance.

NM_000553.6(WRN):c.1577A>T (p.Asp526Val)

Gene: WRN (WRN RecQ like helicase; plus strand). Cytogenetic location: 8p12.
Variant type: single nucleotide variant.
Coding change: c.1577A>T on transcript NM_000553.6 (MANE Select); coding-DNA position 1577, A replaced by T.
Protein change: p.Asp526Val; replaces aspartic acid 526 with valine.
Molecular consequence: missense variant.
Genome position (GRCh38, 1-based): chr8:31,088,890, A>T. VCF-style: chr8-31088890-A-T. GRCh37 (hg19) VCF-style: chr8-30946406-A-T.
Other names: short protein forms D526V.
Identifiers: ClinVar variation 4749427 (VCV004749427.1).